The following is an entry in ClinVar:

NM_003640.5(ELP1):c.3346+1G>A

Gene: ELP1 (elongator acetyltransferase complex subunit 1; minus strand). Cytogenetic location: 9q31.3.
Variant type: single nucleotide variant.
Coding change: c.3346+1G>A on transcript NM_003640.5 (MANE Select); the canonical splice donor site of the intron after coding-DNA position 3346, G replaced by A.
Molecular consequence: splice donor variant.
Genome position (GRCh38, 1-based): chr9:108,881,704, C>T on the plus strand (G>A on the coding strand, the complement: ELP1 is on the minus strand). VCF-style: chr9-108881704-C-T. GRCh37 (hg19) VCF-style: chr9-111643984-C-T.
Other names: c.3004+1G>A (NM_001318360.2); c.2299+1G>A (NM_001330749.2); c.3346+1G>A (NM_003640.4).
Identifiers: ClinVar variation 553813 (VCV000553813.12), dbSNP rs760774999, ClinGen allele CA5174340.
Genomic context (GRCh38, chr9:108,881,704, plus strand): 5'-CTCATCTCTCTCTCCTCACCTTCTTCCAAATGAGGAATTCTATCTAAAATGGAACCCTCA[C>T]CTTCTAAAATGGAAGGCTTTACGTTGGTTTCTATAATATCCAGTCTGTTATATTTGTATA-3'

ClinVar aggregate classification (germline): Likely pathogenic. Review status: criteria provided, multiple submitters, no conflicts (2 of 4 stars). 3 submissions from 3 submitters: Likely pathogenic (2). 1 of the submissions does not count toward it. Last evaluated 2025-11-10.

Conditions:
Familial dysautonomia. Also called: FD; HSAN III. Identifiers: Orphanet 1764, MedGen C0013364, MONDO:0009131, OMIM 223900. Disease mechanism: loss of function.

Allele frequency attached by ClinVar (database versions not stated): gnomAD exomes below 0.00001; ExAC 0.00001.
gnomAD v4.1: 1 of 1,565,580 alleles (0.000064%); no homozygotes.

Submissions (3):

Natera, Inc.
Classification: Likely pathogenic for Familial dysautonomia. Last evaluated: 2025-11-10. Review status: criteria provided, single submitter. Criteria: Natera Variant Classification Schema (03/2026). Collection method: clinical testing. Allele origin: germline.
Comment: The c.3346+1G>A variant in ELP1 is a canonical splice donor site variant predicted to affect pre-mRNA splicing, which may result in an abnormal transcript and altered protein product. This variant is expected to result in nonsense mediated decay, truncation, or a dysfunctional protein product. This variant is rare in the general population with a frequency below the threshold expected for the associated phenotype(s). Given the available evidence, this variant is classified as Likely Pathogenic.

Labcorp Genetics (formerly Invitae), Labcorp
Classification: Likely pathogenic. Last evaluated: 2023-08-04. Review status: criteria provided, single submitter. Criteria: Invitae Variant Classification Sherloc (09022015). Collection method: clinical testing. Allele origin: germline.
Comment: This sequence change affects a donor splice site in intron 31 of the ELP1 gene. It is expected to disrupt RNA splicing. Variants that disrupt the donor or acceptor splice site typically lead to a loss of protein function (PMID: 16199547), and loss-of-function variants in ELP1 are known to be pathogenic (PMID: 18303054, 24173031). This variant is present in population databases (rs760774999, gnomAD 0.0009%). This variant has not been reported in the literature in individuals affected with ELP1-related conditions. ClinVar contains an entry for this variant (Variation ID: 553813). Algorithms developed to predict the effect of sequence changes on RNA splicing suggest that this variant may disrupt the consensus splice site. In summary, the currently available evidence indicates that the variant is pathogenic, but additional data are needed to prove that conclusively. Therefore, this variant has been classified as Likely Pathogenic.

Counsyl
Classification: Likely pathogenic for Familial dysautonomia. Last evaluated: 2017-09-08. Review status: no assertion criteria provided. Collection method: clinical testing. Allele origin: unknown. Not counted in ClinVar's aggregate classification.

Literature cited by the submitters: PubMed 16199547 (cited by Labcorp Genetics (formerly Invitae), Labcorp); PubMed 18303054 (cited by Labcorp Genetics (formerly Invitae), Labcorp); PubMed 24173031 (cited by Labcorp Genetics (formerly Invitae), Labcorp).